The following is an entry in ClinVar:

ClinVar aggregate classification (germline): Uncertain significance. Review status: criteria provided, multiple submitters, no conflicts (2 of 4 stars). 2 submissions from 2 submitters: Uncertain significance (2). Last evaluated 2024-09-20.

Conditions:
X-linked intellectual disability Cabezas type (MRXSC). Also called: Intellectual developmental disorder, X-linked syndromic, Cabezas type; CABEZAS SYNDROME; MENTAL RETARDATION, X-LINKED, SYNDROMIC 15. Identifiers: Orphanet 85289, Orphanet 85293, MedGen C1845861, MONDO:0010306, OMIM 300354.

Submissions (2):

GeneDx
Classification: Uncertain significance. Last evaluated: 2024-09-20. Review status: criteria provided, single submitter. Criteria: GeneDx Variant Classification Process June 2021. Collection method: clinical testing. Allele origin: germline. Affected: yes.
Comment: Not observed at significant frequency in large population cohorts (gnomAD); In silico analysis indicates that this missense variant does not alter protein structure/function; Has not been previously published as pathogenic or benign to our knowledge

Labcorp Genetics (formerly Invitae), Labcorp
Classification: Uncertain significance for X-linked intellectual disability Cabezas type. Last evaluated: 2024-01-22. Review status: criteria provided, single submitter. Criteria: Invitae Variant Classification Sherloc (09022015). Collection method: clinical testing. Allele origin: germline.
Comment: This sequence change replaces alanine, which is neutral and non-polar, with proline, which is neutral and non-polar, at codon 16 of the CUL4B protein (p.Ala16Pro). This variant is not present in population databases (gnomAD no frequency). This variant has not been reported in the literature in individuals affected with CUL4B-related conditions. An algorithm developed to predict the effect of missense changes on protein structure and function (PolyPhen-2) suggests that this variant is likely to be disruptive. In summary, the available evidence is currently insufficient to determine the role of this variant in disease. Therefore, it has been classified as a Variant of Uncertain Significance.

NM_003588.4(CUL4B):c.46G>C (p.Ala16Pro)

Gene: CUL4B (cullin 4B; minus strand). Cytogenetic location: Xq24.
Variant type: single nucleotide variant.
Coding change: c.46G>C on transcript NM_003588.4; coding-DNA position 46, G replaced by C.
Protein change: p.Ala16Pro; replaces alanine 16 with proline.
Molecular consequence: missense variant.
Genome position (GRCh38, 1-based): chrX:120,574,572, C>G on the plus strand (G>C on the coding strand, the complement: CUL4B is on the minus strand). VCF-style: chrX-120574572-C-G. GRCh37 (hg19) VCF-style: chrX-119708427-C-G.
Other names: short protein forms A16P.
Identifiers: ClinVar variation 2870477 (VCV002870477.4), dbSNP rs2521247101, ClinGen allele CA414207303.